The following is an entry in ClinVar:

NM_000152.5(GAA):c.2729C>T (p.Ala910Val)

Gene: GAA (alpha glucosidase; plus strand). Cytogenetic location: 17q25.3.
Variant type: single nucleotide variant.
Coding change: c.2729C>T on transcript NM_000152.5 (MANE Select); coding-DNA position 2729, C replaced by T.
Protein change: p.Ala910Val; replaces alanine 910 with valine.
Molecular consequence: missense variant.
Genome position (GRCh38, 1-based): chr17:80,118,735, C>T. VCF-style: chr17-80118735-C-T. GRCh37 (hg19) VCF-style: chr17-78092534-C-T.
Other names: c.2729C>T, p.Ala910Val (NM_001079803.3, NM_001079804.3, NM_001406741.1 and 1 more transcripts); short protein forms A910V.
Identifiers: ClinVar variation 2044747 (VCV002044747.4), dbSNP rs2510404554, ClinGen allele CA401327060.
Genomic context (GRCh38, chr17:80,118,735, plus strand): 5'-TACGTGTGACCAGTGAGGGAGCTGGCCTGCAGCTGCAGAAGGTGACTGTCCTGGGCGTGG[C>T]CACGGCGCCCCAGCAGGTCCTCTCCAACGGTGTCCCTGTCTCCAACTTCACCTACAGCCC-3'
Protein context (NP_000143.2, residues 900-920): QLQKVTVLGV[Ala910Val]TAPQQVLSNG

ClinVar aggregate classification (germline): Uncertain significance (1 of 4 stars; one submission).

Conditions:
Glycogen storage disease, type II (IOPD). Also called: Glucosidase acid-1,4-alpha deficiency; GLYCOGENOSIS, GENERALIZED, CARDIAC FORM; GSD II; POMPE DISEASE, INFANTILE-ONSET; GLYCOGEN STORAGE DISEASE II, INFANTILE-ONSET; ACID ALPHA-GLUCOSIDASE DEFICIENCY, INFANTILE-ONSET. Identifiers: Orphanet 365, MedGen C0017921, MONDO:0009290, OMIM 232300.

Submission:

Labcorp Genetics (formerly Invitae), Labcorp
Classification: Uncertain significance for Glycogen storage disease, type II. Last evaluated: 2024-05-29. Review status: criteria provided, single submitter. Criteria: Invitae Variant Classification Sherloc (09022015). Collection method: clinical testing. Allele origin: germline.
Comment: This sequence change replaces alanine, which is neutral and non-polar, with valine, which is neutral and non-polar, at codon 910 of the GAA protein (p.Ala910Val). This variant is not present in population databases (gnomAD no frequency). This variant has not been reported in the literature in individuals affected with GAA-related conditions. ClinVar contains an entry for this variant (Variation ID: 2044747). Advanced modeling of protein sequence and biophysical properties (such as structural, functional, and spatial information, amino acid conservation, physicochemical variation, residue mobility, and thermodynamic stability) performed at Invitae indicates that this missense variant is not expected to disrupt GAA protein function with a negative predictive value of 95%. In summary, the available evidence is currently insufficient to determine the role of this variant in disease. Therefore, it has been classified as a Variant of Uncertain Significance.